The following is an entry in ClinVar:

NM_004329.3(BMPR1A):c.813G>A (p.Trp271Ter)

Gene: BMPR1A (bone morphogenetic protein receptor type 1A; plus strand). Cytogenetic location: 10q23.2.
Variant type: single nucleotide variant.
Coding change: c.813G>A on transcript NM_004329.3 (MANE Select); coding-DNA position 813, G replaced by A.
Protein change: p.Trp271Ter; replaces tryptophan 271 with a stop codon.
Molecular consequence: nonsense.
Genome position (GRCh38, 1-based): chr10:86,917,271, G>A. VCF-style: chr10-86917271-G-A. GRCh37 (hg19) VCF-style: chr10-88677028-G-A.
Other names: short protein forms W271*.
Identifiers: ClinVar variation 642114 (VCV000642114.11), dbSNP rs1589290773, ClinGen allele CA377458389.

ClinVar aggregate classification (germline): Pathogenic (1 of 4 stars; one submission).

Conditions:
Juvenile polyposis syndrome (JPS). Identifiers: Orphanet 2929, MedGen C0345893, MONDO:0017380, OMIM 174900.

Submission:

Labcorp Genetics (formerly Invitae), Labcorp
Classification: Pathogenic for Juvenile polyposis syndrome. Last evaluated: 2020-01-20. Review status: criteria provided, single submitter. Criteria: Invitae Variant Classification Sherloc (09022015). Collection method: clinical testing. Allele origin: germline.
Comment: This variant is not present in population databases (ExAC no frequency). This sequence change creates a premature translational stop signal (p.Trp271*) in the BMPR1A gene. It is expected to result in an absent or disrupted protein product. This nonsense change has been observed in individual(s) with juvenile polyposis syndrome (PMID: 11381269). It has also been observed to segregate with disease in related individuals. ClinVar contains an entry for this variant (Variation ID: 642114). Loss-of-function variants in BMPR1A are known to be pathogenic (PMID: 11536076, 12417513). For these reasons, this variant has been classified as Pathogenic.

Literature cited by the submitters: PubMed 11381269; PubMed 11536076; PubMed 12417513.